The following is an entry in ClinVar:

NM_020533.3(MCOLN1):c.1706+4C>T

Gene: MCOLN1 (mucolipin TRP cation channel 1; plus strand). Cytogenetic location: 19p13.2.
Variant type: single nucleotide variant.
Coding change: c.1706+4C>T on transcript NM_020533.3 (MANE Select); 4 bases into the intron after coding-DNA position 1706, C replaced by T.
Molecular consequence: intron variant.
Genome position (GRCh38, 1-based): chr19:7,533,657, C>T. VCF-style: chr19-7533657-C-T. GRCh37 (hg19) VCF-style: chr19-7598543-C-T.
Identifiers: ClinVar variation 2139000 (VCV002139000.2), dbSNP rs370093987, ClinGen allele CA9139226.
Genomic context (GRCh38, chr19:7,533,657, plus strand): 5'-CGGCAAGTTCCGCCGCGGGAGCGGCTCGGCCTGCAGCCTTCTCTGCTGCTGCGGAAGGTT[C>T]GAGTCCCGGGTCTGGCACATTCAGATTGGAGGTTAGGGAATGGGGAAAGGGGAGCGAGCC-3'

ClinVar aggregate classification (germline): Uncertain significance. Review status: criteria provided, multiple submitters, no conflicts (2 of 4 stars). 2 submissions from 2 submitters: Uncertain significance (2). Last evaluated 2026-05-08.

Conditions:
Mucolipidosis type IV (ML4). Also called: ML IV. Identifiers: Orphanet 578, MedGen C0238286, MONDO:0009653, OMIM 252650.

Allele frequency attached by ClinVar (database versions not stated): gnomAD exomes 0.00001; TOPMed 0.00011; ExAC 0.00002; ESP Exome Variant Server 0.00015; gnomAD 0.00009.
gnomAD v4.1: 28 of 1,613,582 alleles (0.0017%); highest among the groups gnomAD compares: African/African-American, 0.031%; no homozygotes.

Submissions (2):

Women's Health and Genetics/Laboratory Corporation of America, LabCorp
Classification: Uncertain significance. Last evaluated: 2026-05-08. Review status: criteria provided, single submitter. Criteria: LabCorp Variant Classification Summary - May 2015. Collection method: clinical testing. Allele origin: germline.

Labcorp Genetics (formerly Invitae), Labcorp
Classification: Uncertain significance for Mucolipidosis type IV. Last evaluated: 2021-12-02. Review status: criteria provided, single submitter. Criteria: Invitae Variant Classification Sherloc (09022015). Collection method: clinical testing. Allele origin: germline.
Comment: This sequence change falls in intron 13 of the MCOLN1 gene. It does not directly change the encoded amino acid sequence of the MCOLN1 protein. It affects a nucleotide within the consensus splice site. This variant is present in population databases (rs370093987, gnomAD 0.01%). This variant has not been reported in the literature in individuals affected with MCOLN1-related conditions. Variants that disrupt the consensus splice site are a relatively common cause of aberrant splicing (PMID: 17576681, 9536098). Algorithms developed to predict the effect of sequence changes on RNA splicing suggest that this variant is not likely to affect RNA splicing. In summary, the available evidence is currently insufficient to determine the role of this variant in disease. Therefore, it has been classified as a Variant of Uncertain Significance.

Literature cited by the submitters: PubMed 17576681 (cited by Labcorp Genetics (formerly Invitae), Labcorp); PubMed 9536098 (cited by Labcorp Genetics (formerly Invitae), Labcorp).